The following is an entry in ClinVar:

NM_206933.4(USH2A):c.7713_7724del (p.Gly2572_Tyr2575del)

Gene: USH2A (usherin; minus strand). Cytogenetic location: 1q41.
Variant type: Deletion.
Coding change: c.7713_7724del on transcript NM_206933.4 (MANE Select); coding-DNA positions 7713 to 7724, 12 bases deleted (TGGCCGTCTATA).
Protein change: p.Gly2572_Tyr2575del.
Molecular consequence: inframe deletion.
Genome position (GRCh38, 1-based): chr1:215,888,925-215,888,936, TATAGACGGCCA deleted on the plus strand (TGGCCGTCTATA on the coding strand, the reverse complement: USH2A is on the minus strand); deleting any 12 consecutive bases within chr1:215,888,925-215,888,937 gives the same sequence; the c. name uses the placement nearest the transcript's 3' end. VCF-style (leftmost placement, unchanged base first): chr1-215888924-GTATAGACGGCCA-G. GRCh37 (hg19) VCF-style: chr1-216062266-GTATAGACGGCCA-G.
Identifiers: ClinVar variation 2797251 (VCV002797251.3), dbSNP rs2464750567, ClinGen allele CA2739275598.

ClinVar aggregate classification (germline): Uncertain significance (1 of 4 stars; one submission).

Submission:

Labcorp Genetics (formerly Invitae), Labcorp
Classification: Uncertain significance. Last evaluated: 2023-11-27. Review status: criteria provided, single submitter. Criteria: Invitae Variant Classification Sherloc (09022015). Collection method: clinical testing. Allele origin: germline.
Comment: This variant, c.7713_7724del, results in the deletion of 4 amino acid(s) of the USH2A protein (p.Gly2572_Tyr2575del), but otherwise preserves the integrity of the reading frame. This variant is not present in population databases (gnomAD no frequency). This variant has not been reported in the literature in individuals affected with USH2A-related conditions. Experimental studies and prediction algorithms are not available or were not evaluated, and the functional significance of this variant is currently unknown. In summary, the available evidence is currently insufficient to determine the role of this variant in disease. Therefore, it has been classified as a Variant of Uncertain Significance.